The following is an entry in ClinVar:

NC_012920.1:m.9714G>A

Gene: MT-CO3 (mitochondrially encoded cytochrome c oxidase III; plus strand).
Variant type: single nucleotide variant.
Genome position: chrM-9714-G-A.
Identifiers: ClinVar variation 439913 (VCV000439913.8), dbSNP rs1556423712, ClinGen allele CA414803545.

ClinVar aggregate classification (germline): Uncertain significance (1 of 4 stars; one submission).

Submission:

ARUP Laboratories, Molecular Genetics and Genomics, ARUP Laboratories
Classification: Uncertain significance. Last evaluated: 2018-01-25. Review status: criteria provided, single submitter. Criteria: ARUP Molecular Germline Variant Investigation Process. Collection method: clinical testing. Allele origin: germline.
Comment: This variant affects the MT-CO3 gene (c.508G>A; p.Gly170Ser) and has not been reported in the medical literature, is not listed in gene-specific variant databases, nor has it been previously identified in our laboratory. It is also absent from population databases such as MITOMAP. The glycine at codon 170 is highly conserved considering 13 species up to Fruitfly, although there is a small physiochemical difference between glycine and serine (Alamut software v2.8.1). Altogether, based on the available information, the clinical significance of the m.9714G>A variant cannot be determined with certainty.